The following is an entry in ClinVar:

ClinVar aggregate classification (germline): Likely pathogenic (1 of 4 stars; one submission).

Conditions:
Thrombocytopenia 5 (THC5). Also called: THROMBOCYTOPENIA 5 WITH INCREASED SUSCEPTIBILITY TO MALIGNANCY; THROMBOCYTOPENIA, AUTOSOMAL DOMINANT, 5. Identifiers: MedGen C4015537, MONDO:0014536, OMIM 616216.

Submission:

Zero Childhood Cancer Program, Children's Cancer Institute
Classification: Likely pathogenic for Thrombocytopenia 5. Last evaluated: 2025-09-09. Review status: criteria provided, single submitter. Criteria: Zero Childhood Cancer Program Assertion Criteria November2025. Collection method: research. Allele origin: germline. Inheritance: Autosomal dominant inheritance. Affected: yes.
Comment: The c.1078del (p.Trp360GlyfsTer11) variant in ETV6 is a frameshift variant in exon 6 of 8 predicted to cause a premature stop codon leading to nonsense mediated decay in a gene in which loss-of-function is an established disease mechanism (PVS1; PMID: 25581430). This variant is absent from gnomAD v4 (PM2). For these reasons, this variant has been classified as likely pathogenic.

Literature cited by the submitters: PubMed 25581430.

NM_001987.5(ETV6):c.1078del (p.Trp360fs)

Genes: ETV6 (ETS variant transcription factor 6; plus strand), LOC126861452 (CDK7 strongly-dependent group 2 enhancer GRCh37_chr12:12037195-12038394; plus strand). Cytogenetic location: 12p13.2.
Variant type: Deletion.
Coding change: c.1078del on transcript NM_001987.5 (MANE Select); coding-DNA position 1078, one base deleted (T; older notation c.1078delT).
Protein change: p.Trp360fs; shifts the reading frame from tryptophan 360.
Molecular consequence: frameshift variant. On other transcripts: intron variant (1).
Genome position (GRCh38, 1-based): chr12:11,884,513, T deleted. VCF-style (leftmost placement, unchanged base first): chr12-11884512-AT-A. GRCh37 (hg19) VCF-style: chr12-12037446-AT-A.
Other names: c.1075del, p.Trp359fs (NM_001413913.1); c.1051del, p.Trp351fs (NM_001413914.1); c.814del, p.Trp272fs (NM_001413915.1); c.1010-6428del (NM_001413917.1); short protein forms W272fs, W351fs, W359fs, W360fs.
Identifiers: ClinVar variation 4528370 (VCV004528370.1).
Genomic context (GRCh38, chr12:11,884,512, plus strand): 5'-ACTGCTTTGGGATTACGTCTATCAGTTGCTTTCTGACAGCCGGTACGAAAACTTCATCCG[AT>A]GGGAGGACAAAGAATCCAAAATATTCCGGATAGTGGATCCCAACGGACTGGCTCGACTGT-3'